The following is an entry in ClinVar:

ClinVar aggregate classification (germline): Uncertain significance (1 of 4 stars; one submission).

Submission:

GeneDx
Classification: Uncertain significance. Last evaluated: 2025-03-14. Review status: criteria provided, single submitter. Criteria: GeneDx Variant Classification Process June 2021. Collection method: clinical testing. Allele origin: germline. Affected: yes.
Comment: Not observed at significant frequency in large population cohorts (gnomAD); In silico analysis indicates that this missense variant does not alter protein structure/function; Has not been previously published as pathogenic or benign to our knowledge

NM_001199799.2(ILDR1):c.859G>A (p.Glu287Lys)

Gene: ILDR1 (immunoglobulin like domain containing receptor 1; minus strand). Cytogenetic location: 3q13.33.
Variant type: single nucleotide variant.
Coding change: c.859G>A on transcript NM_001199799.2 (MANE Select); coding-DNA position 859, G replaced by A.
Protein change: p.Glu287Lys; replaces glutamic acid 287 with lysine.
Molecular consequence: missense variant.
Genome position (GRCh38, 1-based): chr3:121,993,890, C>T on the plus strand (G>A on the coding strand, the complement: ILDR1 is on the minus strand). VCF-style: chr3-121993890-C-T. GRCh37 (hg19) VCF-style: chr3-121712737-C-T.
Other names: c.592G>A, p.Glu198Lys (NM_001199800.2); c.727G>A, p.Glu243Lys (NM_175924.4); short protein forms E198K, E243K, E287K.
Identifiers: ClinVar variation 4083218 (VCV004083218.1).
Genomic context (GRCh38, chr3:121,993,890, plus strand): 5'-TGAGGTCAGGGGGCAGAGGCTGGGCCAGGTTGAGGTTCCGCAGTTCTTTCTCCAAATACT[C>T]CAGGACACCATTGGCGATGGGAGGCTGATTGGTGGTCTGGGTCATTGGCATCTGCGGGAG-3'
Protein context (NP_001186728.1, residues 277-297): NQPPIANGVL[Glu287Lys]YLEKELRNLN